The following is an entry in ClinVar:

ClinVar aggregate classification (germline): Uncertain significance (1 of 4 stars; one submission).

Allele frequency attached by ClinVar (database versions not stated): TOPMed below 0.00001; gnomAD 0.00001.
gnomAD v4.1: 1 of 1,210,101 alleles (0.000083%); highest among the groups gnomAD compares: Non-Finnish European, 0.00011%; no homozygotes.

Submission:

Labcorp Genetics (formerly Invitae), Labcorp
Classification: Uncertain significance. Last evaluated: 2023-03-02. Review status: criteria provided, single submitter. Criteria: Invitae Variant Classification Sherloc (09022015). Collection method: clinical testing. Allele origin: germline.
Comment: ClinVar contains an entry for this variant (Variation ID: 942108). An algorithm developed to predict the effect of missense changes on protein structure and function (PolyPhen-2) suggests that this variant is likely to be tolerated. In summary, the available evidence is currently insufficient to determine the role of this variant in disease. Therefore, it has been classified as a Variant of Uncertain Significance. This variant has not been reported in the literature in individuals affected with CLCN5-related conditions. This sequence change replaces glutamine, which is neutral and polar, with arginine, which is basic and polar, at codon 492 of the CLCN5 protein (p.Gln492Arg). This variant is not present in population databases (gnomAD no frequency).

NM_001127898.4(CLCN5):c.1685A>G (p.Gln562Arg)

Gene: CLCN5 (chloride voltage-gated channel 5; plus strand). Cytogenetic location: Xp11.23.
Variant type: single nucleotide variant.
Coding change: c.1685A>G on transcript NM_001127898.4 (MANE Select); coding-DNA position 1685, A replaced by G.
Protein change: p.Gln562Arg; replaces glutamine 562 with arginine.
Molecular consequence: missense variant.
Genome position (GRCh38, 1-based): chrX:50,088,825, A>G. VCF-style: chrX-50088825-A-G. GRCh37 (hg19) VCF-style: chrX-49853482-A-G.
Other names: c.1475A>G, p.Gln492Arg (NM_000084.5); c.1685A>G, p.Gln562Arg (NM_001127899.4); c.1535A>G, p.Gln512Arg (NM_001282163.2); short protein forms Q512R, Q562R, Q492R.
Identifiers: ClinVar variation 942108 (VCV000942108.9), dbSNP rs1472048553, ClinGen allele CA413188329.
Genomic context (GRCh38, chrX:50,088,825, plus strand): 5'-GAATGGAACAGCTGGCTTATTACCACCAGGAATGGACCGTCTTCAATAGCTGGTGTAGTC[A>G]GGGAGCTGATTGCATCACCCCCGGCCTTTATGCAATGGTTGGGGCTGCAGCCTGCTTAGG-3'
Protein context (NP_001121370.1, residues 552-572): EWTVFNSWCS[Gln562Arg]GADCITPGLY